The following is an entry in ClinVar:

NM_001378120.1(MBD5):c.3727A>G (p.Met1243Val)

Gene: MBD5 (methyl-CpG binding domain protein 5; plus strand). Cytogenetic location: 2q23.1.
Variant type: single nucleotide variant.
Coding change: c.3727A>G on transcript NM_001378120.1 (MANE Select); coding-DNA position 3727, A replaced by G.
Protein change: p.Met1243Val; replaces methionine 1243 with valine.
Molecular consequence: missense variant.
Genome position (GRCh38, 1-based): chr2:148,485,924, A>G. VCF-style: chr2-148485924-A-G. GRCh37 (hg19) VCF-style: chr2-149243493-A-G.
Other names: c.3028A>G, p.Met1010Val (NM_018328.5); short protein forms M1010V, M1243V.
Identifiers: ClinVar variation 1370963 (VCV001370963.8), dbSNP rs1681325771, ClinGen allele CA348724742.

ClinVar aggregate classification (germline): Uncertain significance (1 of 4 stars; one submission).

Conditions:
Intellectual developmental disorder, autosomal dominant 1. Also called: Intellectual disability, autosomal dominant 1; MBD5 Haploinsufficiency. Identifiers: Orphanet 228402, MedGen C1969562, MONDO:0007974, OMIM 156200.

Allele frequency attached by ClinVar (database versions not stated): gnomAD exomes below 0.00001; TOPMed below 0.00001.

Submission:

Labcorp Genetics (formerly Invitae), Labcorp
Classification: Uncertain significance for Intellectual developmental disorder, autosomal dominant 1. Last evaluated: 2023-06-09. Review status: criteria provided, single submitter. Criteria: Invitae Variant Classification Sherloc (09022015). Collection method: clinical testing. Allele origin: germline.
Comment: In summary, the available evidence is currently insufficient to determine the role of this variant in disease. Therefore, it has been classified as a Variant of Uncertain Significance. Advanced modeling of protein sequence and biophysical properties (such as structural, functional, and spatial information, amino acid conservation, physicochemical variation, residue mobility, and thermodynamic stability) performed at Invitae indicates that this missense variant is not expected to disrupt MBD5 protein function. ClinVar contains an entry for this variant (Variation ID: 1370963). This variant has not been reported in the literature in individuals affected with MBD5-related conditions. This variant is not present in population databases (gnomAD no frequency). This sequence change replaces methionine, which is neutral and non-polar, with valine, which is neutral and non-polar, at codon 1010 of the MBD5 protein (p.Met1010Val).